The following is an entry in ClinVar:

ClinVar aggregate classification (germline): Pathogenic (1 of 4 stars; one submission).

Submission:

GeneDx
Classification: Pathogenic. Last evaluated: 2024-03-08. Review status: criteria provided, single submitter. Criteria: GeneDx Variant Classification Process June 2021. Collection method: clinical testing. Allele origin: germline. Affected: yes.
Comment: Canonical splice site variant expected to result in aberrant splicing, although in the absence of functional evidence the actual effect of this sequence change is unknown.; Not observed at significant frequency in large population cohorts (gnomAD); Has not been previously published as pathogenic or benign to our knowledge

NM_001792.5(CDH2):c.1344+1G>C

Gene: CDH2 (cadherin 2; minus strand). Cytogenetic location: 18q12.1.
Variant type: single nucleotide variant.
Coding change: c.1344+1G>C on transcript NM_001792.5 (MANE Select); the canonical splice donor site of the intron after coding-DNA position 1344, G replaced by C.
Molecular consequence: splice donor variant.
Genome position (GRCh38, 1-based): chr18:27,992,654, C>G on the plus strand (G>C on the coding strand, the complement: CDH2 is on the minus strand). VCF-style: chr18-27992654-C-G. GRCh37 (hg19) VCF-style: chr18-25572618-C-G.
Other names: c.1251+1G>C (NM_001308176.2).
Identifiers: ClinVar variation 3342458 (VCV003342458.1).
Genomic context (GRCh38, chr18:27,992,654, plus strand): 5'-GACATATATTGGTCCTTGCTGAGCAGCTGTTGGAGAGATCAGTGGCCCGAGGAACACTTA[C>G]TTTGACCACGGTGACTAACCCGTCGTTGCTGTTTGGGTCGGTCTGGATGGCGAACCGTCC-3'